The following is an entry in ClinVar:

ClinVar aggregate classification (germline): Uncertain significance. Review status: criteria provided, multiple submitters, no conflicts (2 of 4 stars). 4 submissions from 4 submitters: Uncertain significance (4). Last evaluated 2025-11-25.

Conditions:
Hereditary cancer-predisposing syndrome. Also called: Tumor predisposition; Neoplastic Syndromes, Hereditary; Hereditary Cancer Syndrome; Hereditary neoplastic syndrome. Identifiers: Orphanet 140162, MedGen C0027672, MeSH D009386, MONDO:0015356.
Cardiovascular phenotype. Identifiers: MedGen CN230736.

Allele frequency attached by ClinVar (database versions not stated): gnomAD exomes 0.00001 and 0.00002; gnomAD 0.00002 and 0.00003; ExAC 0.00003.

Submissions (4):

Labcorp Genetics (formerly Invitae), Labcorp
Classification: Uncertain significance. Last evaluated: 2025-11-25. Review status: criteria provided, single submitter. Criteria: Invitae Variant Classification Sherloc (09022015). Collection method: clinical testing. Allele origin: germline.
Comment: This sequence change is expected to alter the c-terminus of the LZTR1 protein (p.Asp822Argfs*29). While this is not anticipated to result in nonsense mediated decay, it is expected to disrupt the last 19 amino acid(s) of the LZTR1 protein and extend the protein by 9 additional amino acid residues. This variant is present in population databases (rs781251567, gnomAD 0.02%). This frameshift has been observed in individual(s) with schwannomatosis (PMID: 39209702). ClinVar contains an entry for this variant (Variation ID: 636796). Experimental studies and prediction algorithms are not available or were not evaluated, and the functional significance of this variant is currently unknown. In summary, the available evidence is currently insufficient to determine the role of this variant in disease. Therefore, it has been classified as a Variant of Uncertain Significance.

Ambry Genetics
Classification: Uncertain significance for Cardiovascular phenotype; Hereditary cancer-predisposing syndrome. Last evaluated: 2024-07-18. Review status: criteria provided, single submitter. Criteria: Ambry Variant Classification Scheme 2023. Collection method: clinical testing. Allele origin: germline.
Comment: The c.2463dupA variant, located in coding exon 21 of the LZTR1 gene, results from a duplication of A at nucleotide position 2463, causing a translational frameshift with a predicted alternate stop codon (p.D822Rfs*29). This alteration occurs at the 3' terminus of the LZTR1 gene, is not expected to trigger nonsense-mediated mRNAdecay and results in the elongation of the protein by nine amino acids. This frameshift impacts the last 19 amino acids of the native protein. The exact functional effect of the altered amino acids is unknown. Based on the available evidence, the clinical significance of this variant remains unclear.

Blueprint Genetics
Classification: Uncertain significance. Last evaluated: 2023-10-20. Review status: criteria provided, single submitter. Criteria: ACMG Guidelines, 2015. Collection method: clinical testing. Allele origin: germline.

GeneDx
Classification: Uncertain significance. Last evaluated: 2023-06-29. Review status: criteria provided, single submitter. Criteria: GeneDx Variant Classification Process June 2021. Collection method: clinical testing. Allele origin: germline. Affected: yes.
Comment: Frameshift variant predicted to result in protein truncation as the last 19 amino acids are replaced with 28 different amino acids; Has not been previously published as pathogenic or benign to our knowledge

Literature cited by the submitters: PubMed 39209702 (cited by Labcorp Genetics (formerly Invitae), Labcorp).

NM_006767.4(LZTR1):c.2463dup (p.Asp822fs)

Gene: LZTR1 (leucine zipper like post translational regulator 1; plus strand). Cytogenetic location: 22q11.21.
Variant type: Duplication.
Coding change: c.2463dup on transcript NM_006767.4 (MANE Select); coding-DNA position 2463, one base duplicated (A; older notation c.2463dupA).
Protein change: p.Asp822fs; shifts the reading frame from aspartic acid 822.
Molecular consequence: frameshift variant.
Genome position (GRCh38, 1-based): chr22:20,997,288, A duplicated. VCF-style (leftmost placement, unchanged base first): chr22-20997287-T-TA. GRCh37 (hg19) VCF-style: chr22-21351576-T-TA.
Other names: c.2463dupA (NM_006767.3); short protein forms D822fs.
Identifiers: ClinVar variation 636796 (VCV000636796.13), dbSNP rs781251567, ClinGen allele CA10119470.